The following is an entry in ClinVar:

NM_006019.4(TCIRG1):c.1835A>G (p.Asn612Ser)

Gene: TCIRG1 (T cell immune regulator 1, ATPase H+ transporting V0 subunit a3; plus strand). Cytogenetic location: 11q13.2.
Variant type: single nucleotide variant.
Coding change: c.1835A>G on transcript NM_006019.4 (MANE Select); coding-DNA position 1835, A replaced by G.
Protein change: p.Asn612Ser; replaces asparagine 612 with serine.
Molecular consequence: missense variant.
Genome position (GRCh38, 1-based): chr11:68,049,242, A>G. VCF-style: chr11-68049242-A-G. GRCh37 (hg19) VCF-style: chr11-67816709-A-G.
Other names: c.941A>G, p.Asn314Ser (NM_001351059.2); c.1187A>G, p.Asn396Ser (NM_006053.4); short protein forms N396S, N612S, N314S.
Identifiers: ClinVar variation 1951718 (VCV001951718.5), dbSNP rs2495659363, ClinGen allele CA381587148.
Genomic context (GRCh38, chr11:68,049,242, plus strand): 5'-GGCTGTGTGTCTGGGCTGCCAGGGCCGCCTCGGCCCCCAGCATCCTCATCCACTTCATCA[A>G]CATGTTCCTCTTCTCCCACAGCCCCAGCAACAGGCTGCTCTACCCCCGGCAGGTGGGCTG-3'
Protein context (NP_006010.2, residues 602-622): SAPSILIHFI[Asn612Ser]MFLFSHSPSN

ClinVar aggregate classification (germline): Uncertain significance (1 of 4 stars; one submission).

Submission:

Labcorp Genetics (formerly Invitae), Labcorp
Classification: Uncertain significance. Last evaluated: 2022-03-13. Review status: criteria provided, single submitter. Criteria: Invitae Variant Classification Sherloc (09022015). Collection method: clinical testing. Allele origin: germline.
Comment: In summary, the available evidence is currently insufficient to determine the role of this variant in disease. Therefore, it has been classified as a Variant of Uncertain Significance. Algorithms developed to predict the effect of sequence changes on RNA splicing suggest that this variant may create or strengthen a splice site. Algorithms developed to predict the effect of missense changes on protein structure and function are either unavailable or do not agree on the potential impact of this missense change (SIFT: "Deleterious"; PolyPhen-2: "Probably Damaging"; Align-GVGD: "Class C15"). This variant has not been reported in the literature in individuals affected with TCIRG1-related conditions. This variant is not present in population databases (gnomAD no frequency). This sequence change replaces asparagine, which is neutral and polar, with serine, which is neutral and polar, at codon 612 of the TCIRG1 protein (p.Asn612Ser).